The following is an entry in ClinVar:

NM_001378454.1(ALMS1):c.12462+205G>C

Gene: ALMS1 (ALMS1 centrosome and basal body associated protein; plus strand). Cytogenetic location: 2p13.1.
Variant type: single nucleotide variant.
Coding change: c.12462+205G>C on transcript NM_001378454.1 (MANE Select); 205 bases into the intron after coding-DNA position 12462, G replaced by C.
Molecular consequence: intron variant.
Genome position (GRCh38, 1-based): chr2:73,608,779, G>C. VCF-style: chr2-73608779-G-C. GRCh37 (hg19) VCF-style: chr2-73835906-G-C.
Other names: c.12462+205G>C (NM_015120.4); c.12465+205G>C (NM_015120.4).
Identifiers: ClinVar variation 679635 (VCV000679635.1), dbSNP rs28730865, ClinGen allele CA50342812.
Genomic context (GRCh38, chr2:73,608,779, plus strand): 5'-ATTTGGAAGAAGGCATCTGTAATTAGACTTCAAATCAGGTTTAACTCCCCATCCATAATG[G>C]TGTAAGGCCCTTTCCATGCATTCGTTTGCAGTGAAACCAAATTTCACACACAGGAGTTCA-3'

ClinVar aggregate classification (germline): Likely benign (1 of 4 stars; one submission).

Allele frequency attached by ClinVar (database versions not stated): gnomAD 0.01392 and 0.01446; TOPMed 0.01577; 1000 Genomes Project 0.01977; 1000 Genomes Project 30x 0.02030.
gnomAD v4.1: 2,181 of 152,324 alleles (1.4%); highest among the groups gnomAD compares: African/African-American, 4.9%; 56 homozygotes.

Submission:

GeneDx
Classification: Likely benign. Last evaluated: 2018-06-18. Review status: criteria provided, single submitter. Criteria: GeneDx Variant Classification (06012015). Collection method: clinical testing. Allele origin: germline. Affected: yes.
Comment: This variant is considered likely benign or benign based on one or more of the following criteria: it is a conservative change, it occurs at a poorly conserved position in the protein, it is predicted to be benign by multiple in silico algorithms, and/or has population frequency not consistent with disease.